The following is an entry in ClinVar:

NM_001127644.2(GABRA1):c.1224A>C (p.Glu408Asp)

Gene: GABRA1 (gamma-aminobutyric acid type A receptor subunit alpha1; plus strand). Cytogenetic location: 5q34.
Variant type: single nucleotide variant.
Coding change: c.1224A>C on transcript NM_001127644.2 (MANE Select); coding-DNA position 1224, A replaced by C.
Protein change: p.Glu408Asp; replaces glutamic acid 408 with aspartic acid.
Molecular consequence: missense variant.
Genome position (GRCh38, 1-based): chr5:161,897,275, A>C. VCF-style: chr5-161897275-A-C. GRCh37 (hg19) VCF-style: chr5-161324281-A-C.
Other names: c.1224A>C, p.Glu408Asp (NM_000806.5, NM_001127643.2, NM_001127645.2 and 1 more transcripts); short protein forms E408D.
Identifiers: ClinVar variation 4789492 (VCV004789492.1).
Genomic context (GRCh38, chr5:161,897,275, plus strand): 5'-CATTGCTAAAAGTGCAACCATAGAACCTAAAGAGGTCAAGCCCGAAACAAAACCACCAGA[A>C]CCCAAGAAAACCTTTAACAGTGTCAGCAAAATTGACCGACTGTCAAGAATAGCCTTCCCG-3'
Protein context (NP_001121116.1, residues 398-418): KEVKPETKPP[Glu408Asp]PKKTFNSVSK

ClinVar aggregate classification (germline): Uncertain significance (1 of 4 stars; one submission).

Conditions:
Epilepsy, idiopathic generalized, susceptibility to, 13. Also called: EPILEPSY, JUVENILE MYOCLONIC, SUSCEPTIBILITY TO, 5. Identifiers: Orphanet 307, Orphanet 64280, MedGen C4013473, MONDO:0012627, OMIM 611136.
Epilepsy, childhood absence 4 (ECA4). Also called: EPILEPSY, CHILDHOOD ABSENCE, SUSCEPTIBILITY TO, 4. Identifiers: Orphanet 307, MedGen C1970160.
Idiopathic generalized epilepsy. Also called: Generalised epilepsy; EIG. Identifiers: MedGen C0270850, MONDO:0005579, OMIM 600669.

Submission:

Labcorp Genetics (formerly Invitae), Labcorp
Classification: Uncertain significance for Epilepsy, childhood absence 4; Epilepsy, idiopathic generalized, susceptibility to, 13; Idiopathic generalized epilepsy. Last evaluated: 2025-11-28. Review status: criteria provided, single submitter. Criteria: Invitae Variant Classification Sherloc (09022015). Collection method: clinical testing. Allele origin: germline.
Comment: This sequence change replaces glutamic acid, which is acidic and polar, with aspartic acid, which is acidic and polar, at codon 408 of the GABRA1 protein (p.Glu408Asp). This variant is not present in population databases (gnomAD no frequency). This variant has not been reported in the literature in individuals affected with GABRA1-related conditions. Invitae Evidence Modeling of protein sequence and biophysical properties (such as structural, functional, and spatial information, amino acid conservation, physicochemical variation, residue mobility, and thermodynamic stability) indicates that this missense variant is not expected to disrupt GABRA1 protein function with a negative predictive value of 80%. In summary, the available evidence is currently insufficient to determine the role of this variant in disease. Therefore, it has been classified as a Variant of Uncertain Significance.